The following is an entry in ClinVar:

NM_000182.5(HADHA):c.17C>A (p.Ala6Glu)

Genes: HADHA (hydroxyacyl-CoA dehydrogenase trifunctional multienzyme complex subunit alpha; minus strand), HADHB (hydroxyacyl-CoA dehydrogenase trifunctional multienzyme complex subunit beta; plus strand). Cytogenetic location: 2p23.3.
Variant type: single nucleotide variant.
Coding change: c.17C>A on transcript NM_000182.5 (MANE Select); coding-DNA position 17, C replaced by A.
Protein change: p.Ala6Glu; replaces alanine 6 with glutamic acid.
Molecular consequence: missense variant.
Genome position (GRCh38, 1-based): chr2:26,244,580, G>T on the plus strand (C>A on the coding strand, the complement: HADHA is on the minus strand). VCF-style: chr2-26244580-G-T. GRCh37 (hg19) VCF-style: chr2-26467448-G-T.
Other names: short protein forms A6E.
Identifiers: ClinVar variation 4789301 (VCV004789301.1).

ClinVar aggregate classification (germline): Uncertain significance (1 of 4 stars; one submission).

Conditions:
Long chain 3-hydroxyacyl-CoA dehydrogenase deficiency. Also called: Deficiency of long-chain 3-hydroxyacyl-coenzyme A dehydrogenase; LCHAD Deficiency. Identifiers: Orphanet 5, MedGen C3711645, MONDO:0012173, OMIM 609016.
Mitochondrial trifunctional protein deficiency. Identifiers: Orphanet 746, MedGen C1969443, MONDO:0012172.

gnomAD v4.1: 3 of 1,585,064 alleles (0.00019%); highest among the groups gnomAD compares: Non-Finnish European, 0.00026%; no homozygotes.

Submission:

Labcorp Genetics (formerly Invitae), Labcorp
Classification: Uncertain significance for Mitochondrial trifunctional protein deficiency; Long chain 3-hydroxyacyl-CoA dehydrogenase deficiency. Last evaluated: 2026-01-14. Review status: criteria provided, single submitter. Criteria: Invitae Variant Classification Sherloc (09022015). Collection method: clinical testing. Allele origin: germline.
Comment: This sequence change replaces alanine, which is neutral and non-polar, with glutamic acid, which is acidic and polar, at codon 6 of the HADHA protein (p.Ala6Glu). This variant is not present in population databases (gnomAD no frequency). This variant has not been reported in the literature in individuals affected with HADHA-related conditions. Invitae Evidence Modeling of protein sequence and biophysical properties (such as structural, functional, and spatial information, amino acid conservation, physicochemical variation, residue mobility, and thermodynamic stability) indicates that this missense variant is not expected to disrupt HADHA protein function with a negative predictive value of 95%. In summary, the available evidence is currently insufficient to determine the role of this variant in disease. Therefore, it has been classified as a Variant of Uncertain Significance.